The following is an entry in ClinVar:

NM_001039141.3(TRIOBP):c.5604G>A (p.Ser1868=)

Genes: TRIOBP (TRIO and F-actin binding protein; plus strand), LOC126863145 (CDK7 strongly-dependent group 2 enhancer GRCh37_chr22:38150829-38152028; plus strand). Cytogenetic location: 22q13.1.
Variant type: single nucleotide variant.
Coding change: c.5604G>A on transcript NM_001039141.3 (MANE Select); coding-DNA position 5604, G replaced by A.
Protein change: p.Ser1868=; no amino-acid change (serine 1868 retained).
Molecular consequence: synonymous variant.
Genome position (GRCh38, 1-based): chr22:37,755,576, G>A. VCF-style: chr22-37755576-G-A. GRCh37 (hg19) VCF-style: chr22-38151583-G-A.
Other names: c.465G>A, p.Ser155= (NM_007032.5, NM_138632.2).
Identifiers: ClinVar variation 1800856 (VCV001800856.2), dbSNP rs759173649, ClinGen allele CA324158248.

ClinVar aggregate classification (germline): Uncertain significance (1 of 4 stars; one submission).

Allele frequency attached by ClinVar (database versions not stated): gnomAD 0.00004; TOPMed 0.00004.
gnomAD v4.1: 15 of 1,613,884 alleles (0.00093%); highest among the groups gnomAD compares: East Asian, 0.016%; no homozygotes.

Submission:

GeneDx
Classification: Uncertain significance. Last evaluated: 2023-05-31. Review status: criteria provided, single submitter. Criteria: GeneDx Variant Classification Process June 2021. Collection method: clinical testing. Allele origin: germline.
Comment: In silico analysis supports a deleterious effect on splicing; Has not been previously published as pathogenic or benign to our knowledge